The following is an entry in ClinVar:

NM_000719.7(CACNA1C):c.6353G>A (p.Arg2118His)

Genes: CACNA1C (calcium voltage-gated channel subunit alpha1 C; plus strand), CACNA1C-AS1 (CACNA1C antisense RNA 1; minus strand). Cytogenetic location: 12p13.33.
Variant type: single nucleotide variant.
Coding change: c.6353G>A on transcript NM_000719.7 (MANE Select); coding-DNA position 6353, G replaced by A.
Protein change: p.Arg2118His; replaces arginine 2118 with histidine.
Molecular consequence: missense variant. On other transcripts: non-coding transcript variant (1).
Genome position (GRCh38, 1-based): chr12:2,691,135, G>A. VCF-style: chr12-2691135-G-A. GRCh37 (hg19) VCF-style: chr12-2800301-G-A.
Other names: c.6497G>A, p.Arg2166His (NM_001129827.2); c.6476G>A, p.Arg2159His (NM_001129829.2); c.6458G>A, p.Arg2153His (NM_001129830.3, NM_001167624.3); c.6437G>A, p.Arg2146His (NM_001129831.2); c.6413G>A, p.Arg2138His (NM_001129832.2); c.6410G>A, p.Arg2137His (NM_001129833.2, NM_001129834.2, NM_001129835.2); c.6404G>A, p.Arg2135His (NM_001129836.2); c.6377G>A, p.Arg2126His (NM_001129837.2, NM_001129838.2); and 6 more; short protein forms R2126H, R2135H, R2146H, R2115H, R2124H, R2137H, R2166H, R2201H.
Identifiers: ClinVar variation 1753018 (VCV001753018.7), dbSNP rs1296424039, ClinGen allele CA383387536.

ClinVar aggregate classification (germline): Uncertain significance. Review status: criteria provided, multiple submitters, no conflicts (2 of 4 stars). 2 submissions from 2 submitters: Uncertain significance (2). Last evaluated 2025-02-19.

Conditions:
Long QT syndrome (LQTS). Identifiers: MedGen C0023976, MeSH D008133, MONDO:0002442. Disease mechanism: loss of function. Inheritance: Various modes of inheritance.
Cardiovascular phenotype. Identifiers: MedGen CN230736.

Allele frequency attached by ClinVar (database versions not stated): gnomAD exomes below 0.00001; TOPMed 0.00001; gnomAD 0.00003.
gnomAD v4.1: 10 of 1,607,512 alleles (0.00062%); highest among the groups gnomAD compares: African/African-American, 0.0067%; no homozygotes.

Submissions (2):

Labcorp Genetics (formerly Invitae), Labcorp
Classification: Uncertain significance for Long QT syndrome. Last evaluated: 2025-02-19. Review status: criteria provided, single submitter. Criteria: Invitae Variant Classification Sherloc (09022015). Collection method: clinical testing. Allele origin: germline.
Comment: This sequence change replaces arginine, which is basic and polar, with histidine, which is basic and polar, at codon 2118 of the CACNA1C protein (p.Arg2118His). This variant is not present in population databases (gnomAD no frequency). This variant has not been reported in the literature in individuals affected with CACNA1C-related conditions. ClinVar contains an entry for this variant (Variation ID: 1753018). Invitae Evidence Modeling of protein sequence and biophysical properties (such as structural, functional, and spatial information, amino acid conservation, physicochemical variation, residue mobility, and thermodynamic stability) indicates that this missense variant is not expected to disrupt CACNA1C protein function with a negative predictive value of 95%. In summary, the available evidence is currently insufficient to determine the role of this variant in disease. Therefore, it has been classified as a Variant of Uncertain Significance.

Ambry Genetics
Classification: Uncertain significance for Cardiovascular phenotype. Last evaluated: 2022-09-14. Review status: criteria provided, single submitter. Criteria: Ambry Variant Classification Scheme 2023. Collection method: clinical testing. Allele origin: germline.
Comment: The p.R2118H variant (also known as c.6353G>A), located in coding exon 47 of the CACNA1C gene, results from a G to A substitution at nucleotide position 6353. The arginine at codon 2118 is replaced by histidine, an amino acid with highly similar properties. This amino acid position is poorly conserved in available vertebrate species. In addition, this alteration is predicted to be tolerated by in silico analysis. Since supporting evidence is limited at this time, the clinical significance of this alteration remains unclear.